The following is an entry in ClinVar:

ClinVar aggregate classification (germline): Uncertain significance. Review status: criteria provided, multiple submitters, no conflicts (2 of 4 stars). 2 submissions from 2 submitters: Uncertain significance (2). Last evaluated 2025-10-22.

Allele frequency attached by ClinVar (database versions not stated): gnomAD 0.00006 and 0.00008; ESP Exome Variant Server 0.00008; ExAC 0.00010.
gnomAD v4.1: 75 of 1,612,904 alleles (0.0046%); highest among the groups gnomAD compares: Admixed American, 0.047%; no homozygotes.

Submissions (2):

GeneDx
Classification: Uncertain significance. Last evaluated: 2025-10-22. Review status: criteria provided, single submitter. Criteria: GeneDx Variant Classification Process June 2021. Collection method: clinical testing. Allele origin: germline. Affected: yes.
Comment: In silico analysis supports that this missense variant has a deleterious effect on protein structure/function; Has not been previously published as pathogenic or benign in association with hearing loss or myopia to our knowledge; This variant is associated with the following publications: (PMID: 25363768, 31785789, 34011629, 28407358, 35982160, 35982159)

Labcorp Genetics (formerly Invitae), Labcorp
Classification: Uncertain significance. Last evaluated: 2023-07-17. Review status: criteria provided, single submitter. Criteria: Invitae Variant Classification Sherloc (09022015). Collection method: clinical testing. Allele origin: germline.
Comment: ClinVar contains an entry for this variant (Variation ID: 1678775). This variant has not been reported in the literature in individuals affected with SLITRK6-related conditions. This variant is present in population databases (rs201449316, gnomAD 0.06%). This sequence change replaces arginine, which is basic and polar, with cysteine, which is neutral and slightly polar, at codon 635 of the SLITRK6 protein (p.Arg635Cys). An algorithm developed to predict the effect of missense changes on protein structure and function (PolyPhen-2) suggests that this variant is likely to be disruptive. In summary, the available evidence is currently insufficient to determine the role of this variant in disease. Therefore, it has been classified as a Variant of Uncertain Significance.

NM_032229.3(SLITRK6):c.1903C>T (p.Arg635Cys)

Gene: SLITRK6 (SLIT and NTRK like family member 6; minus strand). Cytogenetic location: 13q31.1.
Variant type: single nucleotide variant.
Coding change: c.1903C>T on transcript NM_032229.3 (MANE Select); coding-DNA position 1903, C replaced by T.
Protein change: p.Arg635Cys; replaces arginine 635 with cysteine.
Molecular consequence: missense variant.
Genome position (GRCh38, 1-based): chr13:85,794,606, G>A on the plus strand (C>T on the coding strand, the complement: SLITRK6 is on the minus strand). VCF-style: chr13-85794606-G-A. GRCh37 (hg19) VCF-style: chr13-86368741-G-A.
Other names: short protein forms R635C.
Identifiers: ClinVar variation 1678775 (VCV001678775.8), dbSNP rs201449316, ClinGen allele CA7014997.